The following is an entry in ClinVar:

ClinVar aggregate classification (germline): Uncertain significance (1 of 4 stars; one submission).

gnomAD v4.1: 20 of 1,613,824 alleles (0.0012%); highest among the groups gnomAD compares: Middle Eastern, 0.017%; no homozygotes.

Submission:

GeneDx
Classification: Uncertain significance. Last evaluated: 2024-10-07. Review status: criteria provided, single submitter. Criteria: GeneDx Variant Classification Process June 2021. Collection method: clinical testing. Allele origin: germline. Affected: yes.
Comment: In silico analysis supports a deleterious effect on splicing; In silico analysis indicates that this missense variant does not alter protein structure/function; Has not been previously published as pathogenic or benign to our knowledge

NM_001807.6(CEL):c.1328G>A (p.Arg443Gln)

Gene: CEL (carboxyl ester lipase; plus strand). Cytogenetic location: 9q34.13.
Variant type: single nucleotide variant.
Coding change: c.1328G>A on transcript NM_001807.6 (MANE Select); coding-DNA position 1328, G replaced by A.
Protein change: p.Arg443Gln; replaces arginine 443 with glutamine.
Molecular consequence: missense variant.
Genome position (GRCh38, 1-based): chr9:133,070,502, G>A. VCF-style: chr9-133070502-G-A. GRCh37 (hg19) VCF-style: chr9-135945889-G-A.
Other names: short protein forms R443Q.
Identifiers: ClinVar variation 3776559 (VCV003776559.1).